The following is an entry in ClinVar:

ClinVar aggregate classification (germline): Uncertain significance. Review status: criteria provided, multiple submitters, no conflicts (2 of 4 stars). 2 submissions from 2 submitters: Uncertain significance (2). Last evaluated 2023-07-21.

Conditions:
Duchenne muscular dystrophy (DMD). Also called: MUSCULAR DYSTROPHY, PSEUDOHYPERTROPHIC PROGRESSIVE, DUCHENNE TYPE; Duchenne Muscular Dystrophy (DMD). Identifiers: Orphanet 98896, MedGen C0013264, MONDO:0010679, OMIM 310200.
Cardiovascular phenotype. Identifiers: MedGen CN230736.

Allele frequency attached by ClinVar (database versions not stated): gnomAD exomes below 0.00001 and 0.00001.
gnomAD v4.1: 5 of 1,211,404 alleles (0.00041%); highest among the groups gnomAD compares: Non-Finnish European, 0.00056%; no homozygotes.

Submissions (2):

Ambry Genetics
Classification: Uncertain significance for Cardiovascular phenotype. Last evaluated: 2023-07-21. Review status: criteria provided, single submitter. Criteria: Ambry Variant Classification Scheme 2023. Collection method: clinical testing. Allele origin: germline.
Comment: The p.P2425S variant (also known as c.7273C>T), located in coding exon 50 of the DMD gene, results from a C to T substitution at nucleotide position 7273. The proline at codon 2425 is replaced by serine, an amino acid with similar properties. Based on data from gnomAD, the T allele has an overall frequency of 0.0005% (1/183485) total alleles studied, with no hemizygote(s) observed. The highest observed frequency was 0.0012% (1/81934) of European (non-Finnish) alleles. This amino acid position is well conserved in available vertebrate species. In addition, this alteration is predicted to be tolerated by in silico analysis. Since supporting evidence is limited at this time, the clinical significance of this alteration remains unclear.

Labcorp Genetics (formerly Invitae), Labcorp
Classification: Uncertain significance for Duchenne muscular dystrophy. Last evaluated: 2021-09-01. Review status: criteria provided, single submitter. Criteria: Invitae Variant Classification Sherloc (09022015). Collection method: clinical testing. Allele origin: germline.
Comment: This sequence change replaces proline with serine at codon 2425 of the DMD protein (p.Pro2425Ser). The proline residue is highly conserved and there is a moderate physicochemical difference between proline and serine. This variant is not present in population databases (ExAC no frequency). This variant has not been reported in the literature in individuals affected with DMD-related conditions. Algorithms developed to predict the effect of missense changes on protein structure and function (SIFT, PolyPhen-2, Align-GVGD) all suggest that this variant is likely to be tolerated. In summary, the available evidence is currently insufficient to determine the role of this variant in disease. Therefore, it has been classified as a Variant of Uncertain Significance.

NM_004006.3(DMD):c.7273C>T (p.Pro2425Ser)

Gene: DMD (dystrophin; minus strand). Cytogenetic location: Xp21.1.
Variant type: single nucleotide variant.
Coding change: c.7273C>T on transcript NM_004006.3 (MANE Select); coding-DNA position 7273, C replaced by T.
Protein change: p.Pro2425Ser; replaces proline 2425 with serine.
Molecular consequence: missense variant. On other transcripts: 5 prime UTR variant (5).
Genome position (GRCh38, 1-based): chrX:31,820,011, G>A on the plus strand (C>T on the coding strand, the complement: DMD is on the minus strand). VCF-style: chrX-31820011-G-A. GRCh37 (hg19) VCF-style: chrX-31838128-G-A.
Other names: c.7249C>T, p.Pro2417Ser (NM_000109.4); c.7261C>T, p.Pro2421Ser (NM_004009.3); c.6904C>T, p.Pro2302Ser (NM_004010.3); c.3250C>T, p.Pro1084Ser (NM_004011.4); c.3241C>T, p.Pro1081Ser (NM_004012.4); c.-108C>T (NM_004013.3, NM_004020.4, NM_004021.3 and 2 more transcripts); c.7273C>T (NM_004006.2); short protein forms P1081S, P2421S, P2302S, P2425S, P1084S, P2417S.
Identifiers: ClinVar variation 1398918 (VCV001398918.7), dbSNP rs1318139017, ClinGen allele CA412658516.